The following is an entry in ClinVar:

NM_030773.4(TUBB1):c.646A>T (p.Lys216Ter)

Gene: TUBB1 (tubulin beta 1 class VI; plus strand). Cytogenetic location: 20q13.32.
Variant type: single nucleotide variant.
Coding change: c.646A>T on transcript NM_030773.4 (MANE Select); coding-DNA position 646, A replaced by T.
Protein change: p.Lys216Ter; replaces lysine 216 with a stop codon.
Molecular consequence: nonsense.
Genome position (GRCh38, 1-based): chr20:59,024,073, A>T. VCF-style: chr20-59024073-A-T. GRCh37 (hg19) VCF-style: chr20-57599128-A-T.
Other names: short protein forms K216*.
Identifiers: ClinVar variation 1977511 (VCV001977511.5), dbSNP rs916590918, ClinGen allele CA316329197.

ClinVar aggregate classification (germline): Uncertain significance (1 of 4 stars; one submission).

Allele frequency attached by ClinVar (database versions not stated): gnomAD exomes below 0.00001; gnomAD 0.00002; TOPMed 0.00002.
gnomAD v4.1: 8 of 1,614,046 alleles (0.0005%); highest among the groups gnomAD compares: Non-Finnish European, 0.00068%; no homozygotes.

Submission:

Labcorp Genetics (formerly Invitae), Labcorp
Classification: Uncertain significance. Last evaluated: 2022-07-11. Review status: criteria provided, single submitter. Criteria: Invitae Variant Classification Sherloc (09022015). Collection method: clinical testing. Allele origin: germline.
Comment: This sequence change creates a premature translational stop signal (p.Lys216*) in the TUBB1 gene. While this is not anticipated to result in nonsense mediated decay, it is expected to disrupt the last 236 amino acid(s) of the TUBB1 protein. This variant is present in population databases (no rsID available, gnomAD 0.002%). This variant has not been reported in the literature in individuals affected with TUBB1-related conditions. Experimental studies and prediction algorithms are not available or were not evaluated, and the functional significance of this variant is currently unknown. In summary, the available evidence is currently insufficient to determine the role of this variant in disease. Therefore, it has been classified as a Variant of Uncertain Significance.